The following is an entry in ClinVar:

NM_007373.4(SHOC2):c.815A>G (p.Glu272Gly)

Gene: SHOC2 (SHOC2 leucine rich repeat scaffold protein; plus strand). Cytogenetic location: 10q25.2.
Variant type: single nucleotide variant.
Coding change: c.815A>G on transcript NM_007373.4 (MANE Select); coding-DNA position 815, A replaced by G.
Protein change: p.Glu272Gly; replaces glutamic acid 272 with glycine.
Molecular consequence: missense variant. On other transcripts: 5 prime UTR variant (2), non-coding transcript variant (1), intron variant (3).
Genome position (GRCh38, 1-based): chr10:110,985,739, A>G. VCF-style: chr10-110985739-A-G. GRCh37 (hg19) VCF-style: chr10-112745497-A-G.
Other names: c.815A>G, p.Glu272Gly (NM_001324336.2, NM_001324337.2, NM_001441184.1 and 2 more transcripts); c.146A>G, p.Glu49Gly (NM_001441188.1); c.-269A>G (NM_001441190.1); c.-138A>G (NM_001441191.1); c.704-14676A>G (NM_001441186.1, NM_001269039.3); c.-242-14676A>G (NM_001441189.1); short protein forms E272G, E49G.
Identifiers: ClinVar variation 4740828 (VCV004740828.1).

ClinVar aggregate classification (germline): Uncertain significance (1 of 4 stars; one submission).

Conditions:
RASopathy. Also called: Noonan spectrum disorder; rasopathies. Identifiers: Orphanet 536391, MedGen C5555857, MONDO:0021060.

Submission:

Labcorp Genetics (formerly Invitae), Labcorp
Classification: Uncertain significance for RASopathy. Last evaluated: 2025-05-27. Review status: criteria provided, single submitter. Criteria: Invitae Variant Classification Sherloc (09022015). Collection method: clinical testing. Allele origin: germline.
Comment: This sequence change replaces glutamic acid, which is acidic and polar, with glycine, which is neutral and non-polar, at codon 272 of the SHOC2 protein (p.Glu272Gly). This variant is not present in population databases (gnomAD no frequency). This variant has not been reported in the literature in individuals affected with SHOC2-related conditions. Invitae Evidence Modeling of protein sequence and biophysical properties (such as structural, functional, and spatial information, amino acid conservation, physicochemical variation, residue mobility, and thermodynamic stability) indicates that this missense variant is not expected to disrupt SHOC2 protein function with a negative predictive value of 80%. In summary, the available evidence is currently insufficient to determine the role of this variant in disease. Therefore, it has been classified as a Variant of Uncertain Significance.